The following is an entry in ClinVar:

NM_032043.3(BRIP1):c.1759del (p.His587fs)

Gene: BRIP1 (BRCA1 interacting DNA helicase 1; minus strand). Cytogenetic location: 17q23.2.
Variant type: Deletion.
Coding change: c.1759del on transcript NM_032043.3 (MANE Select); coding-DNA position 1759, one base deleted (C; older notation c.1759delC).
Protein change: p.His587fs; shifts the reading frame from histidine 587.
Molecular consequence: frameshift variant.
Genome position (GRCh38, 1-based): chr17:61,780,875, G deleted on the plus strand (C on the coding strand, the reverse complement: BRIP1 is on the minus strand). VCF-style (leftmost placement, unchanged base first): chr17-61780874-TG-T. GRCh37 (hg19) VCF-style: chr17-59858235-TG-T.
Other names: short protein forms H587fs.
Identifiers: ClinVar variation 2583684 (VCV002583684.2), dbSNP rs2545027623, ClinGen allele CA2582342276.

ClinVar aggregate classification (germline): Pathogenic (1 of 4 stars; one submission).

Conditions:
Familial cancer of breast. Also called: Hereditary breast cancer; BREAST CANCER, FAMILIAL; hereditary breast carcinoma. Identifiers: Orphanet 227535, MedGen C0346153, MONDO:0016419, OMIM 114480. Disease mechanism: loss of function.

Submission:

Myriad Genetics, Inc.
Classification: Pathogenic for Familial cancer of breast. Last evaluated: 2023-06-05. Review status: criteria provided, single submitter. Criteria: Myriad Autosomal Dominant, Autosomal Recessive and X-Linked Classification Criteria (2023). Collection method: clinical testing. Allele origin: unknown.
Comment: This variant is considered pathogenic. This variant creates a frameshift predicted to result in premature protein truncation.